The following is an entry in ClinVar:

ClinVar aggregate classification (germline): Uncertain significance (1 of 4 stars; one submission).

Conditions:
Inborn genetic diseases. Identifiers: MedGen C0950123, MeSH D030342.

Submission:

Ambry Genetics
Classification: Uncertain significance for Inborn genetic diseases. Last evaluated: 2024-08-03. Review status: criteria provided, single submitter. Criteria: Ambry Variant Classification Scheme 2023. Collection method: clinical testing. Allele origin: germline.
Comment: The p.Q1182E variant (also known as c.3544C>G), located in coding exon 26 of the LRRK2 gene, results from a C to G substitution at nucleotide position 3544. The glutamine at codon 1182 is replaced by glutamic acid, an amino acid with highly similar properties. This amino acid position is conserved. In addition, the in silico prediction for this alteration is inconclusive. Based on the available evidence, the clinical significance of this variant remains unclear.

NM_198578.4(LRRK2):c.3544C>G (p.Gln1182Glu)

Gene: LRRK2 (leucine rich repeat kinase 2; plus strand). Cytogenetic location: 12q12.
Variant type: single nucleotide variant.
Coding change: c.3544C>G on transcript NM_198578.4 (MANE Select); coding-DNA position 3544, C replaced by G.
Protein change: p.Gln1182Glu; replaces glutamine 1182 with glutamic acid.
Molecular consequence: missense variant.
Genome position (GRCh38, 1-based): chr12:40,302,836, C>G. VCF-style: chr12-40302836-C-G. GRCh37 (hg19) VCF-style: chr12-40696638-C-G.
Other names: short protein forms Q1182E.
Identifiers: ClinVar variation 3540551 (VCV003540551.1).